The following is an entry in ClinVar:

ClinVar aggregate classification (germline): Uncertain significance (1 of 4 stars; one submission).

Conditions:
RASopathy. Also called: rasopathies; Noonan spectrum disorder. Identifiers: Orphanet 536391, MedGen C5555857, MONDO:0021060.

Submission:

Labcorp Genetics (formerly Invitae), Labcorp
Classification: Uncertain significance for RASopathy. Last evaluated: 2025-08-26. Review status: criteria provided, single submitter. Criteria: Invitae Variant Classification Sherloc (09022015). Collection method: clinical testing. Allele origin: germline.
Comment: This sequence change falls in intron 4 of the MAP2K2 gene. It does not directly change the encoded amino acid sequence of the MAP2K2 protein. Information on the frequency of this variant in the gnomAD database is not available, as this variant may be reported differently in the database. This variant has not been reported in the literature in individuals affected with MAP2K2-related conditions. ClinVar contains an entry for this variant (Variation ID: 2740447). Experimental studies and prediction algorithms are not available or were not evaluated, and the effect of this variant on mRNA splicing is currently unknown. In summary, the available evidence is currently insufficient to determine the role of this variant in disease. Therefore, it has been classified as a Variant of Uncertain Significance.

NM_030662.4(MAP2K2):c.528+19_528+20inv

Gene: MAP2K2 (mitogen-activated protein kinase kinase 2; minus strand). Cytogenetic location: 19p13.3.
Variant type: Inversion.
Coding change: c.528+19_528+20inv on transcript NM_030662.4 (MANE Select).
Molecular consequence: intron variant.
Genome position: GRCh38 VCF-style: chr19-4102356-TG-CA. GRCh37 (hg19) VCF-style: chr19-4102354-TG-CA.
Identifiers: ClinVar variation 2740447 (VCV002740447.3), ClinGen allele CA2697555627.
Genomic context (GRCh38, chr19:4,102,356, plus strand): 5'-GGCTCCCGGAACCCTGGCCGTGTGGAAGAGGTCCGTGCAGAGTGCGGTGGGGGCGCGATG[TG>CA]GGTCTGCGGTGGACTCACCGCGATGCTGACTTTCCCCAGGATCTCCTCGGGAATCCTCTT-3'